The following is an entry in ClinVar:

ClinVar aggregate classification (germline): Likely pathogenic (1 of 4 stars; one submission).

Conditions:
Hereditary spastic paraplegia 39 (SPG39). Also called: SPASTIC PARAPLEGIA 39, AUTOSOMAL RECESSIVE; Spastic Paraplegia Type 39 (SPG39). Identifiers: Orphanet 139480, MedGen C2677586, MONDO:0012787, OMIM 612020.

Submission:

Labcorp Genetics (formerly Invitae), Labcorp
Classification: Likely pathogenic for Hereditary spastic paraplegia 39. Last evaluated: 2019-03-26. Review status: criteria provided, single submitter. Criteria: Invitae Variant Classification Sherloc (09022015). Collection method: clinical testing. Allele origin: germline.
Comment: This variant is a deletion of the genomic region encompassing part of exon 26 (c.2820_2822+13del) of the PNPLA6 gene. It is expected to disrupt RNA splicing and likely results in an absent or disrupted protein product. The frequency data for this variant in the population databases is considered unreliable, as metrics indicate insufficient coverage at this position in the ExAC database. This variant has not been reported in the literature in individuals with PNPLA6-related conditions. Loss-of-function variants in PNPLA6 are known to be pathogenic (PMID: 24355708). In summary, the currently available evidence indicates that the variant is pathogenic, but additional data are needed to prove that conclusively. Therefore, this variant has been classified as Likely Pathogenic.

Literature cited by the submitters: PubMed 24355708.

NM_001166114.2(PNPLA6):c.2934_2936+13del

Gene: PNPLA6 (patatin like domain 6, lysophospholipase; plus strand). Cytogenetic location: 19p13.2.
Variant type: Deletion.
Coding change: c.2934_2936+13del on transcript NM_001166114.2 (MANE Select); coding-DNA position 2934 through 13 bases into the intron after coding-DNA position 2936, 16 bases deleted (CAGGTGAGGGCGGGGC).
Molecular consequence: splice donor variant.
Genome position (GRCh38, 1-based): chr19:7,555,365-7,555,380, CAGGTGAGGGCGGGGC deleted; deleting any 16 consecutive bases within chr19:7,555,356-7,555,380 gives the same sequence; the c. name uses the placement nearest the transcript's 3' end. VCF-style (leftmost placement, unchanged base first): chr19-7555355-GGGGCGGGGCCAGGTGA-G. GRCh37 (hg19) VCF-style: chr19-7620241-GGGGCGGGGCCAGGTGA-G.
Other names: c.2820_2822+13del (NM_006702.5, NM_001166113.1); c.2739_2741+13del (NM_001166112.2); c.2964_2966+13del (NM_001166111.2).
Identifiers: ClinVar variation 864668 (VCV000864668.7), dbSNP rs1167314561, ClinGen allele CA916083677.